The following is an entry in ClinVar:

ClinVar aggregate classification (germline): Conflicting classifications of pathogenicity. Review status: criteria provided, conflicting classifications (1 of 4 stars). 4 submissions from 4 submitters: Uncertain significance (2); Likely benign (2). Last evaluated 2025-12-29.

Conditions:
Hereditary cancer-predisposing syndrome. Also called: Neoplastic Syndromes, Hereditary; Tumor predisposition; Hereditary Cancer Syndrome; Hereditary neoplastic syndrome. Identifiers: Orphanet 140162, MedGen C0027672, MeSH D009386, MONDO:0015356.
Familial cancer of breast. Also called: BREAST CANCER, FAMILIAL; Hereditary breast cancer; hereditary breast carcinoma. Identifiers: Orphanet 227535, MedGen C0346153, MONDO:0016419, OMIM 114480. Disease mechanism: loss of function.

Allele frequency attached by ClinVar (database versions not stated): gnomAD exomes 0.00002; ExAC 0.00004.

Submissions (4):

Center for Genomic Medicine, Rigshospitalet, Copenhagen University Hospital
Classification: Likely benign. Last evaluated: 2025-12-29. Review status: criteria provided, single submitter. Criteria: ACMG Guidelines, 2015. Collection method: clinical testing. Allele origin: germline.
Comment: Classification criteria: BS1

Labcorp Genetics (formerly Invitae), Labcorp
Classification: Uncertain significance for Familial cancer of breast. Last evaluated: 2025-08-26. Review status: criteria provided, single submitter. Criteria: Invitae Variant Classification Sherloc (09022015). Collection method: clinical testing. Allele origin: germline.
Comment: This sequence change replaces aspartic acid, which is acidic and polar, with glutamic acid, which is acidic and polar, at codon 459 of the PALB2 protein (p.Asp459Glu). This variant is present in population databases (rs771002573, gnomAD 0.02%). This missense change has been observed in individual(s) with breast cancer (PMID: 26564480). ClinVar contains an entry for this variant (Variation ID: 482024). Invitae Evidence Modeling of protein sequence and biophysical properties (such as structural, functional, and spatial information, amino acid conservation, physicochemical variation, residue mobility, and thermodynamic stability) indicates that this missense variant is not expected to disrupt PALB2 protein function with a negative predictive value of 80%. In summary, the available evidence is currently insufficient to determine the role of this variant in disease. Therefore, it has been classified as a Variant of Uncertain Significance.

Ambry Genetics
Classification: Likely benign for Hereditary cancer-predisposing syndrome. Last evaluated: 2025-04-18. Review status: criteria provided, single submitter. Criteria: Ambry Variant Classification Scheme 2023. Collection method: clinical testing. Allele origin: germline.

Color Diagnostics, LLC DBA Color Health
Classification: Uncertain significance for Hereditary cancer-predisposing syndrome. Last evaluated: 2019-03-27. Review status: criteria provided, single submitter. Criteria: ACMG Guidelines, 2015. Collection method: clinical testing. Allele origin: germline.

Literature cited by the submitters: PubMed 26564480 (cited by Labcorp Genetics (formerly Invitae), Labcorp and Ambry Genetics).

NM_024675.4(PALB2):c.1377C>A (p.Asp459Glu)

Gene: PALB2 (partner and localizer of BRCA2; minus strand). Cytogenetic location: 16p12.2.
Variant type: single nucleotide variant.
Coding change: c.1377C>A on transcript NM_024675.4 (MANE Select); coding-DNA position 1377, C replaced by A.
Protein change: p.Asp459Glu; replaces aspartic acid 459 with glutamic acid.
Molecular consequence: missense variant.
Genome position (GRCh38, 1-based): chr16:23,635,169, G>T on the plus strand (C>A on the coding strand, the complement: PALB2 is on the minus strand). VCF-style: chr16-23635169-G-T. GRCh37 (hg19) VCF-style: chr16-23646490-G-T.
Other names: short protein forms D459E.
Identifiers: ClinVar variation 482024 (VCV000482024.18), dbSNP rs771002573, ClinGen allele CA7963712.
Genomic context (GRCh38, chr16:23,635,169, plus strand): 5'-CTGAGAGGTTCTTGAACTTGGTTGTCCTGTGCATGTGCCAGACATCCTAATTTCACTTTG[G>T]TCAGTTTCCTCATTGGAAAGGTTTAAATTTTTACTTGCATCCTTATTTTTATTTTTAAAC-3'
Protein context (NP_078951.2, residues 449-469): KNLNLSNEET[Asp459Glu]QSEIRMSGTC